The following is an entry in ClinVar:

ClinVar aggregate classification (germline): Uncertain significance (1 of 4 stars; one submission).

Submission:

GeneDx
Classification: Uncertain significance. Last evaluated: 2022-12-22. Review status: criteria provided, single submitter. Criteria: GeneDx Variant Classification Process June 2021. Collection method: clinical testing. Allele origin: germline. Affected: yes.
Comment: Not observed at significant frequency in large population cohorts (gnomAD); In silico analysis supports that this missense variant has a deleterious effect on protein structure/function; Has not been previously published as pathogenic or benign to our knowledge

NM_000814.6(GABRB3):c.347T>G (p.Leu116Arg)

Gene: GABRB3 (gamma-aminobutyric acid type A receptor subunit beta3; minus strand). Cytogenetic location: 15q12.
Variant type: single nucleotide variant.
Coding change: c.347T>G on transcript NM_000814.6 (MANE Select); coding-DNA position 347, T replaced by G.
Protein change: p.Leu116Arg; replaces leucine 116 with arginine.
Molecular consequence: missense variant. On other transcripts: non-coding transcript variant (1).
Genome position (GRCh38, 1-based): chr15:26,621,428, A>C on the plus strand (T>G on the coding strand, the complement: GABRB3 is on the minus strand). VCF-style: chr15-26621428-A-C. GRCh37 (hg19) VCF-style: chr15-26866575-A-C.
Other names: c.92T>G, p.Leu31Arg (NM_001191320.2, NM_001278631.2); c.134T>G, p.Leu45Arg (NM_001191321.3); c.347T>G, p.Leu116Arg (NM_021912.5); short protein forms L116R, L31R, L45R.
Identifiers: ClinVar variation 2506728 (VCV002506728.1), dbSNP rs2504329497, ClinGen allele CA391460905.